The following is an entry in ClinVar:

NM_144997.7(FLCN):c.1211C>T (p.Pro404Leu)

Gene: FLCN (folliculin; minus strand). Cytogenetic location: 17p11.2.
Variant type: single nucleotide variant.
Coding change: c.1211C>T on transcript NM_144997.7 (MANE Select); coding-DNA position 1211, C replaced by T.
Protein change: p.Pro404Leu; replaces proline 404 with leucine.
Molecular consequence: missense variant.
Genome position (GRCh38, 1-based): chr17:17,216,469, G>A on the plus strand (C>T on the coding strand, the complement: FLCN is on the minus strand). VCF-style: chr17-17216469-G-A. GRCh37 (hg19) VCF-style: chr17-17119783-G-A.
Other names: c.1265C>T, p.Pro422Leu (NM_001353229.2); c.1211C>T, p.Pro404Leu (NM_001353230.2, NM_001353231.2); short protein forms P422L, P404L.
Identifiers: ClinVar variation 4257949 (VCV004257949.1).

ClinVar aggregate classification (germline): Uncertain significance (1 of 4 stars; one submission).

Conditions:
Hereditary cancer-predisposing syndrome. Also called: Hereditary Cancer Syndrome; Hereditary neoplastic syndrome; Neoplastic Syndromes, Hereditary; Tumor predisposition. Identifiers: Orphanet 140162, MedGen C0027672, MeSH D009386, MONDO:0015356.

Submission:

Ambry Genetics
Classification: Uncertain significance for Hereditary cancer-predisposing syndrome. Last evaluated: 2025-09-04. Review status: criteria provided, single submitter. Criteria: Ambry Variant Classification Scheme 2023. Collection method: clinical testing. Allele origin: germline.
Comment: The p.P404L variant (also known as c.1211C>T), located in coding exon 8 of the FLCN gene, results from a C to T substitution at nucleotide position 1211. The proline at codon 404 is replaced by leucine, an amino acid with similar properties. This amino acid position is conserved. In addition, the in silico prediction for this alteration is inconclusive. Based on the available evidence, the clinical significance of this variant remains unclear.